The following is an entry in ClinVar:

ClinVar aggregate classification (germline): Benign/Likely benign. Review status: criteria provided, multiple submitters, no conflicts (2 of 4 stars). 14 submissions from 14 submitters: Benign (4); Likely benign (9). 1 of the submissions does not count toward it. Last evaluated 2026-02-03.

Conditions:
Polymerase proofreading-related adenomatous polyposis. Also called: Polymerase proofreading associated polyposis; Polymerase proofreading–associated polyposis (PPAP). Identifiers: Orphanet 447877, MedGen C5202613, MONDO:0018653.
Familial colorectal cancer type X. Identifiers: Orphanet 440437, MedGen C3896578, MONDO:0018604.
POLD1-related disorder. Also called: POLD1-related condition; POLD1-related disorders.
POLD1-related polyposis and colorectal cancer syndrome (CRCS10). Also called: Colorectal cancer 10; COLORECTAL CANCER, SUSCEPTIBILITY TO, ON CHROMOSOME 19q; Colorectal cancer, susceptibility to, 10. Identifiers: Orphanet 220460, MedGen C2675481, MONDO:0012953, OMIM 612591.
Hereditary cancer-predisposing syndrome. Also called: Tumor predisposition; Hereditary Cancer Syndrome; Neoplastic Syndromes, Hereditary; Hereditary neoplastic syndrome. Identifiers: Orphanet 140162, MedGen C0027672, MeSH D009386, MONDO:0015356.

Allele frequency attached by ClinVar (database versions not stated): gnomAD 0.00007 and 0.00024; ESP Exome Variant Server 0.00008; TOPMed 0.00010; gnomAD exomes 0.00035 and 0.00076; ExAC 0.00078; 1000 Genomes Project 30x 0.00156; 1000 Genomes Project 0.00160.
gnomAD v4.1: 550 of 1,593,674 alleles (0.035%); highest among the groups gnomAD compares: South Asian, 0.46%; 3 homozygotes.

Submissions (14):

Labcorp Genetics (formerly Invitae), Labcorp
Classification: Benign for POLD1-related polyposis and colorectal cancer syndrome. Last evaluated: 2026-02-03. Review status: criteria provided, single submitter. Criteria: Invitae Variant Classification Sherloc (09022015). Collection method: clinical testing. Allele origin: germline.

Mayo Clinic Laboratories, Mayo Clinic
Classification: Likely benign. Last evaluated: 2025-06-25. Review status: criteria provided, single submitter. Criteria: ACMG Guidelines, 2015. Collection method: clinical testing. Allele origin: germline. Observed: 1 variant allele.
Comment: BS1, BP4, BP7

CeGaT Center for Human Genetics Tuebingen
Classification: Likely benign. Last evaluated: 2025-05-01. Review status: criteria provided, single submitter. Criteria: CeGaT Center For Human Genetics Tuebingen Variant Classification Criteria Version 2. Collection method: clinical testing. Allele origin: germline. Affected: yes. Observed: 2 variant alleles.
Comment: POLD1: BP4, BP7

Center for Genomic Medicine, Rigshospitalet, Copenhagen University Hospital
Classification: Likely benign. Last evaluated: 2025-03-04. Review status: criteria provided, single submitter. Criteria: ACMG Guidelines, 2015. Collection method: clinical testing. Allele origin: germline.

Myriad Genetics, Inc.
Classification: Benign for POLD1-related polyposis and colorectal cancer syndrome. Last evaluated: 2025-02-06. Review status: criteria provided, single submitter. Criteria: Myriad Autosomal Dominant, Autosomal Recessive and X-Linked Classification Criteria (2023). Collection method: clinical testing. Allele origin: unknown.
Comment: This variant is considered benign. This variant is a silent/synonymous amino acid change and it is not expected to impact splicing.

Blueprint Genetics
Classification: Likely benign. Last evaluated: 2024-11-25. Review status: criteria provided, single submitter. Criteria: ACMG Guidelines, 2015. Collection method: clinical testing. Allele origin: germline.

Department of Pathology and Laboratory Medicine, Sinai Health System
Classification: Likely benign for Polymerase proofreading-related adenomatous polyposis; Familial colorectal cancer type X. Last evaluated: 2023-10-05. Review status: criteria provided, single submitter. Criteria: ACMG Guidelines, 2015. Collection method: clinical testing. Allele origin: germline. Affected: yes.

Sema4
Classification: Benign for Hereditary cancer-predisposing syndrome. Last evaluated: 2021-01-11. Review status: criteria provided, single submitter. Criteria: Sema4 Curation Guidelines. Collection method: curation. Allele origin: germline.

GeneDx
Classification: Likely benign. Last evaluated: 2020-11-06. Review status: criteria provided, single submitter. Criteria: GeneDx Variant Classification Process June 2021. Collection method: clinical testing. Allele origin: germline. Affected: yes.
Comment: This variant is associated with the following publications: (PMID: 22722839)

Quest Diagnostics Nichols Institute San Juan Capistrano
Classification: Benign. Last evaluated: 2018-12-28. Review status: criteria provided, single submitter. Criteria: Quest Diagnostics criteria. Collection method: clinical testing. Allele origin: germline.

Eurofins Ntd Llc (ga)
Classification: Likely benign. Last evaluated: 2018-03-21. Review status: criteria provided, single submitter. Criteria: EGL ClinVar v180209 classification definitions. Collection method: clinical testing. Allele origin: germline. Observed: 1 variant allele, 1 heterozygote.

Ambry Genetics
Classification: Likely benign for Hereditary cancer-predisposing syndrome. Last evaluated: 2015-06-27. Review status: criteria provided, single submitter. Criteria: Ambry Variant Classification Scheme 2023. Collection method: clinical testing. Allele origin: germline.

Breakthrough Genomics
Classification: Likely benign. Review status: criteria provided, single submitter. Criteria: ACMG Guidelines, 2015. Collection method: not provided. Allele origin: germline. Inheritance: Autosomal dominant inheritance. Affected: yes.

PreventionGenetics, part of Exact Sciences
Classification: Likely benign for POLD1-related condition. Last evaluated: 2020-03-03. Review status: no assertion criteria provided. Collection method: clinical testing. Allele origin: germline. Not counted in ClinVar's aggregate classification.
Comment: This variant is classified as likely benign based on ACMG/AMP sequence variant interpretation guidelines (Richards et al. 2015 PMID: 25741868, with internal and published modifications).

NM_002691.4(POLD1):c.1503C>T (p.Asn501=)

Gene: POLD1 (DNA polymerase delta 1, catalytic subunit; plus strand). Cytogenetic location: 19q13.33.
Variant type: single nucleotide variant.
Coding change: c.1503C>T on transcript NM_002691.4 (MANE Select); coding-DNA position 1503, C replaced by T.
Protein change: p.Asn501=; no amino-acid change (asparagine 501 retained).
Molecular consequence: synonymous variant. On other transcripts: non-coding transcript variant (1).
Genome position (GRCh38, 1-based): chr19:50,406,991, C>T. VCF-style: chr19-50406991-C-T. GRCh37 (hg19) VCF-style: chr19-50910248-C-T.
Other names: p.Asn501=; c.1503C>T, p.Asn501= (NM_001256849.1, NM_001308632.1).
Identifiers: ClinVar variation 239240 (VCV000239240.49), dbSNP rs371647100, ClinGen allele CA9596163.
Genomic context (GRCh38, chr19:50,406,991, plus strand): 5'-CACCTCCCACCCCCAACCCCTGGTCCCTGACCCCATCCGTGCCCATCCCCAGAATGGGAA[C>T]GACCAGACCCGCCGCCGCCTGGCTGTGTACTGCCTGAAGGATGCCTACCTGCCACTGCGG-3'
Protein context (NP_002682.2, residues 491-511): HSIITDLQNG[Asn501=]DQTRRRLAVY